The following is an entry in ClinVar:

ClinVar aggregate classification (germline): Likely pathogenic (1 of 4 stars; one submission).

Conditions:
Autosomal recessive polycystic kidney disease (ARPKD). Also called: AR polycystic kidney disease. Identifiers: Orphanet 731, Orphanet 8378, MedGen C0085548, MeSH D017044, MONDO:0009889.

Submission:

Natera, Inc.
Classification: Likely pathogenic for Autosomal recessive polycystic kidney disease. Last evaluated: 2024-07-02. Review status: criteria provided, single submitter. Criteria: Natera Variant Classification Schema (03/2026). Collection method: clinical testing. Allele origin: germline.
Comment: The c.3766dup variant in PKHD1 is a frameshift variant predicted to shift the reading frame beginning at codon 1256 and leads to a stop codon 41 codons downstream. This variant is expected to result in nonsense mediated decay, truncation, or a dysfunctional protein product. This variant is rare in the general population with a frequency below the threshold expected for the associated phenotype(s). Given the available evidence, this variant is classified as Likely Pathogenic.

NM_138694.4(PKHD1):c.3766dup (p.Gln1256fs)

Gene: PKHD1 (PKHD1 ciliary IPT domain containing fibrocystin/polyductin; minus strand). Cytogenetic location: 6p12.2.
Variant type: Duplication.
Coding change: c.3766dup on transcript NM_138694.4 (MANE Select); coding-DNA position 3766, one base duplicated (C; older notation c.3766dupC).
Protein change: p.Gln1256fs; shifts the reading frame from glutamine 1256.
Molecular consequence: frameshift variant.
Genome position (GRCh38, 1-based): chr6:52,026,044, G duplicated on the plus strand (C on the coding strand, the reverse complement: PKHD1 is on the minus strand); the first of 6 consecutive G bases (chr6:52,026,044-52,026,049); duplicating any one gives the same sequence. VCF-style (leftmost placement, unchanged base first): chr6-52026043-T-TG. GRCh37 (hg19) VCF-style: chr6-51890841-T-TG.
Other names: c.3766dup, p.Gln1256fs (NM_170724.3); short protein forms Q1256fs.
Identifiers: ClinVar variation 4816646 (VCV004816646.1).
Genomic context (GRCh38, chr6:52,026,043, plus strand): 5'-CTGTTGCCAGCCCAGACCTCCACGGCAGCTGGAACAGTGGGAGCGCCCGCATCGGGTATC[T>TG]GGGGGGCTGGCAGGGTTTCACACCAGATGCTCGCCTCCGTTAAGTTCACAATGTCACAGG-3'